The following is an entry in ClinVar:

NM_001122681.2(SH3BP2):c.1523T>G (p.Val508Gly)

Gene: SH3BP2 (SH3 domain binding protein 2; plus strand). Cytogenetic location: 4p16.3.
Variant type: single nucleotide variant.
Coding change: c.1523T>G on transcript NM_001122681.2 (MANE Select); coding-DNA position 1523, T replaced by G.
Protein change: p.Val508Gly; replaces valine 508 with glycine.
Molecular consequence: missense variant.
Genome position (GRCh38, 1-based): chr4:2,833,024, T>G. VCF-style: chr4-2833024-T-G. GRCh37 (hg19) VCF-style: chr4-2834751-T-G.
Other names: c.1607T>G, p.Val536Gly (NM_001145855.2); c.1694T>G, p.Val565Gly (NM_001145856.2); c.1523T>G, p.Val508Gly (NM_003023.4); short protein forms V565G, V536G, V508G.
Identifiers: ClinVar variation 1462344 (VCV001462344.6), dbSNP rs2108742933, ClinGen allele CA356059210.

ClinVar aggregate classification (germline): Uncertain significance (1 of 4 stars; one submission).

Conditions:
Fibrous dysplasia of jaw (CRBM). Also called: Cherubism. Identifiers: Orphanet 184, MedGen C0008029, MONDO:0007315, OMIM 118400.

Submission:

Labcorp Genetics (formerly Invitae), Labcorp
Classification: Uncertain significance for Fibrous dysplasia of jaw. Last evaluated: 2021-10-08. Review status: criteria provided, single submitter. Criteria: Invitae Variant Classification Sherloc (09022015). Collection method: clinical testing. Allele origin: germline.
Comment: In summary, the available evidence is currently insufficient to determine the role of this variant in disease. Therefore, it has been classified as a Variant of Uncertain Significance. Algorithms developed to predict the effect of missense changes on protein structure and function are either unavailable or do not agree on the potential impact of this missense change (SIFT: "Tolerated"; PolyPhen-2: "Possibly Damaging"; Align-GVGD: "Class C0"). This variant has not been reported in the literature in individuals affected with SH3BP2-related conditions. This variant is not present in population databases (ExAC no frequency). This sequence change replaces valine with glycine at codon 508 of the SH3BP2 protein (p.Val508Gly). The valine residue is moderately conserved and there is a moderate physicochemical difference between valine and glycine.